The following is an entry in ClinVar:

NM_001244008.2(KIF1A):c.1965G>C (p.Glu655Asp)

Gene: KIF1A (kinesin family member 1A; minus strand). Cytogenetic location: 2q37.3.
Variant type: single nucleotide variant.
Coding change: c.1965G>C on transcript NM_001244008.2 (MANE Select); coding-DNA position 1965, G replaced by C.
Protein change: p.Glu655Asp; replaces glutamic acid 655 with aspartic acid.
Molecular consequence: missense variant.
Genome position (GRCh38, 1-based): chr2:240,763,076, C>G on the plus strand (G>C on the coding strand, the complement: KIF1A is on the minus strand). VCF-style: chr2-240763076-C-G. GRCh37 (hg19) VCF-style: chr2-241702493-C-G.
Other names: c.1965G>C, p.Glu655Asp (NM_001320705.2, NM_001330289.2, NM_001379638.1); c.2040G>C, p.Glu680Asp (NM_001330290.2, NM_001379631.1, NM_001379634.1 and 2 more transcripts); c.1938G>C, p.Glu646Asp (NM_001379632.1, NM_001379633.1, NM_001379636.1 and 10 more transcripts); c.2013G>C, p.Glu671Asp (NM_001379637.1, NM_001379648.1); short protein forms E671D, E680D, E646D, E655D.
Identifiers: ClinVar variation 3753711 (VCV003753711.2).
Genomic context (GRCh38, chr2:240,763,076, plus strand): 5'-CACCAGCCGCTGCTGCTCCAGCAGGTAGGTGGCCTCCTCCCGCTCGCGGCGGTACTGGTC[C>G]TCCAGTTCCTGGAGCCTGCAAGGGGGCATTGGGGTGAGCACGGGAGGGCAGGAGGGGCAG-3'
Protein context (NP_001230937.1, residues 645-665): QEMEQRLQEL[Glu655Asp]DQYRREREEA

ClinVar aggregate classification (germline): Uncertain significance (1 of 4 stars; one submission).

Conditions:
Neuropathy, hereditary sensory, type 2C. Also called: KIF1A-Related HSAN2 (HSAN2C); Hereditary sensory and autonomic neuropathy type IIC. Identifiers: Orphanet 970, MedGen C3280168, MONDO:0013634, OMIM 614213.
Hereditary spastic paraplegia 30. Identifiers: Orphanet 101010, MedGen C5235139, MONDO:0012476.
Intellectual disability, autosomal dominant 9 (NESCAVS). Also called: KIF1A-Related Neurodevelopmental Disorder; NESCAV SYNDROME. Identifiers: Orphanet 662367, MedGen C5393830, MONDO:0013656, OMIM 614255.

gnomAD v4.1: 1 of 1,574,504 alleles (0.000064%); highest among the groups gnomAD compares: South Asian, 0.0011%; no homozygotes.

Submission:

Labcorp Genetics (formerly Invitae), Labcorp
Classification: Uncertain significance for Hereditary spastic paraplegia 30; Neuropathy, hereditary sensory, type 2C; Intellectual disability, autosomal dominant 9. Last evaluated: 2024-09-23. Review status: criteria provided, single submitter. Criteria: Invitae Variant Classification Sherloc (09022015). Collection method: clinical testing. Allele origin: germline.
Comment: This sequence change replaces glutamic acid, which is acidic and polar, with aspartic acid, which is acidic and polar, at codon 646 of the KIF1A protein (p.Glu646Asp). This variant is not present in population databases (gnomAD no frequency). This variant has not been reported in the literature in individuals affected with KIF1A-related conditions. Invitae Evidence Modeling of protein sequence and biophysical properties (such as structural, functional, and spatial information, amino acid conservation, physicochemical variation, residue mobility, and thermodynamic stability) has been performed for this missense variant. However, the output from this modeling did not meet the statistical confidence thresholds required to predict the impact of this variant on KIF1A protein function. In summary, the available evidence is currently insufficient to determine the role of this variant in disease. Therefore, it has been classified as a Variant of Uncertain Significance.